The following is an entry in ClinVar:

ClinVar aggregate classification (germline): Pathogenic (1 of 4 stars; one submission).

Conditions:
Ataxia-telangiectasia syndrome (AT). Also called: LOUIS-BAR SYNDROME; Ataxia telangiectasia (A-T); Cerebello-oculocutaneous telangiectasia; Immunodeficiency with ataxia telangiectasia; ATAXIA-TELANGIECTASIA, COMPLEMENTATION GROUP A; ATAXIA-TELANGIECTASIA, FRESNO VARIANT. Identifiers: Orphanet 100, MedGen C0004135, MONDO:0008840, OMIM 208900.

Submission:

Labcorp Genetics (formerly Invitae), Labcorp
Classification: Pathogenic for Ataxia-telangiectasia syndrome. Last evaluated: 2024-12-15. Review status: criteria provided, single submitter. Criteria: Invitae Variant Classification Sherloc (09022015). Collection method: clinical testing. Allele origin: germline.
Comment: This sequence change affects an acceptor splice site in intron 7 of the ATM gene. RNA analysis indicates that disruption of this splice site induces altered splicing and may result in an absent or altered protein product. This variant is not present in population databases (gnomAD no frequency). Disruption of this splice site has been observed in individual(s) with ataxia-telangiectasia (PMID: 10330348). ClinVar contains an entry for this variant (Variation ID: 952910). Studies have shown that disruption of this splice site results in skipping of exon 8, and produces a non-functional protein and/or introduces a premature termination codon (PMID: 10330348; internal data). For these reasons, this variant has been classified as Pathogenic.

Literature cited by the submitters: PubMed 10330348.

NM_000051.4(ATM):c.902-2A>G

Gene: ATM (ATM serine/threonine kinase; plus strand). Cytogenetic location: 11q22.3.
Variant type: single nucleotide variant.
Coding change: c.902-2A>G on transcript NM_000051.4 (MANE Select); the canonical splice acceptor site of the intron before coding-DNA position 902, A replaced by G.
Molecular consequence: splice acceptor variant.
Genome position (GRCh38, 1-based): chr11:108,246,962, A>G. VCF-style: chr11-108246962-A-G. GRCh37 (hg19) VCF-style: chr11-108117689-A-G.
Other names: c.902-2A>G (NM_001351834.2).
Identifiers: ClinVar variation 952910 (VCV000952910.4), dbSNP rs2079877131, ClinGen allele CA382530393.